The following is an entry in ClinVar:

ClinVar aggregate classification (germline): Pathogenic. Review status: criteria provided, multiple submitters, no conflicts (2 of 4 stars). 8 submissions from 8 submitters: Pathogenic (6). 2 of the submissions do not count toward it. Last evaluated 2026-07-12.

Conditions:
GLUD1-related disorder. Also called: GLUD1-related condition.
Hyperinsulinism-hyperammonemia syndrome (HHF6). Identifiers: Orphanet 35878, MedGen C1847555, MONDO:0011717, OMIM 606762.

Submissions (8):

PreventionGenetics, part of Exact Sciences
Classification: Pathogenic for GLUD1-related condition. Last evaluated: 2026-07-12. Review status: criteria provided, single submitter. Criteria: ACMG Guidelines, 2015. Collection method: clinical testing. Allele origin: germline.
Comment: The GLUD1 c.820C>T variant is predicted to result in the amino acid substitution p.Arg274Cys. This variant has been reported in multiple individuals to be causative for hyperinsulinism-hyperammonemia syndrome (see, for example: reported as c.833C>T, p.Arg221Cys in Santer et al. 2001. PubMed ID: 11214910; reported as c.820C>T, R221C in Gong et al. 2016. PubMed ID: 25639667; also as R221C at Sarajlija et al. 2016. PubMed ID: 26759084; Strajnar et al. 2018. PubMed ID: 30425915; Roy et al. 2019. PubMed ID: 31119523). This variant has not been reported in a large population database, indicating this variant is rare. This variant is interpreted as pathogenic.

Labcorp Genetics (formerly Invitae), Labcorp
Classification: Pathogenic for Hyperinsulinism-hyperammonemia syndrome. Last evaluated: 2026-02-01. Review status: criteria provided, single submitter. Criteria: Invitae Variant Classification Sherloc (09022015). Collection method: clinical testing. Allele origin: germline.
Comment: This sequence change replaces arginine, which is basic and polar, with cysteine, which is neutral and slightly polar, at codon 274 of the GLUD1 protein (p.Arg274Cys). This variant is not present in population databases (gnomAD no frequency). This missense change has been observed in individuals with HI/HA (PMID: 11214910, 26759084, 27188453, 30306091, 30425915). It has also been observed to segregate with disease in related individuals. This variant is also known as c.833C>T (p.Arg221Cys). ClinVar contains an entry for this variant (Variation ID: 16128). Invitae Evidence Modeling of protein sequence and biophysical properties (such as structural, functional, and spatial information, amino acid conservation, physicochemical variation, residue mobility, and thermodynamic stability) indicates that this missense variant is expected to disrupt GLUD1 protein function with a positive predictive value of 80%. For these reasons, this variant has been classified as Pathogenic.

3billion
Classification: Pathogenic for Hyperinsulinism-hyperammonemia syndrome. Last evaluated: 2025-12-22. Review status: criteria provided, single submitter. Criteria: ACMG Guidelines, 2015. Collection method: clinical testing. Allele origin: germline. Affected: yes.
Comment: The variant is not observed in the gnomAD v4.1.0 dataset. Predicted Consequence/Location: Missense variant. Missense changes are a common disease-causing mechanism. In silico tool predictions suggest damaging effect of the variant on gene or gene product [REVEL: 0.97 (>=0.6, sensitivity 0.68 and specificity 0.92); 3Cnet: 0.77 (> 0.75, sensitivity 0.96 and precision 0.92)]. The same nucleotide change resulting in the same amino acid change has been previously reported as pathogenic/likely pathogenic with strong evidence (ClinVar ID: VCV000016128 /PMID: 11214910 /3billion dataset). The variant has been observed in multiple (>3) similarly affected unrelated individuals (PMID: 11214910, 26759084, 27188453, 30306091, 30425915). The variant has been previously reported as assumed (i.e. paternity and maternity not confirmed) de novo in at least one similarly affected unrelated individual (PMID: 27188453). The variant has been reported to co-segregate with the disease in at least 3 similarly affected relatives/individuals in the same family or similarly affected unrelated families (PMID: 11214910). Therefore, this variant is classified as Pathogenic according to the recommendation of ACMG/AMP guideline.

Neuberg Centre For Genomic Medicine, NCGM
Classification: Pathogenic for Hyperinsulinism-hyperammonemia syndrome. Last evaluated: 2023-06-22. Review status: criteria provided, single submitter. Criteria: ACMG Guidelines, 2015. Collection method: clinical testing. Allele origin: germline. Inheritance: Autosomal dominant inheritance. Affected: yes.
Comment: The missense variant c.820C>T (p.Arg274Cys) in the GLUD1 gene has been reported previously in heterozygous state in individuals affected with Hyperinsulinism-hyperammonemia Syndrome. This sequence change has been described in patients with hyperinsulinism-hyperammonemia who presented with recurrent episodes of hypoglycemia, epileptic seizures and mild mental retardation (Strajnar et al., 2018; Roy et al., 2019). The p.Arg274Cys change affects a highly conserved amino acid residue located in a domain of the GLUD1 protein that is known to be functional (Boodhansingh et al., 2022; Santer et al., 2001). It is submitted to ClinVar as Pathogenic (multiple submitters). The variant is absent in the gnomAD Exomes. The amino acid Arg at position 274 is changed to a Cys changing protein sequence and it might alter its composition and physico-chemical properties. Multiple lines of computational evidence (Polyphen - Damaging, SIFT - Damaging and MutationTaster - Disease causing) predict a damaging effect on protein structure and function for this variant. The residue is conserved by GERP++ and PhyloP across 100 vertebrates. For these reasons, this variant has been classified as Pathogenic.

Fulgent Genetics
Classification: Pathogenic for Hyperinsulinism-hyperammonemia syndrome. Last evaluated: 2022-04-21. Review status: criteria provided, single submitter. Criteria: ACMG Guidelines, 2015. Collection method: clinical testing. Allele origin: unknown.

Genetic Services Laboratory, University of Chicago
Classification: Pathogenic. Last evaluated: 2020-11-09. Review status: criteria provided, single submitter. Criteria: ACMG Guidelines, 2015. Collection method: clinical testing. Allele origin: germline. Affected: yes.
Comment: DNA sequence analysis of the GLUD1 gene demonstrated a sequence change, c.820C>T, in exon 6 that results in an amino acid change, p.Arg274Cys. This sequence change does not appear to have been previously described in patients with GLUD1-related disorders and has also not been described in the large population databases such as ExAC and gnomAD (dbSNP rs56275071). This sequence change has been described in patients with hyperinsulinism-hyperammonemia who presented with recurrent episodes of hypoglycemia and seizures (PMIDs: 31119523, 30425915). It has also been described segregating with the disease phenotype in a family (PMID: 11214910). The p.Arg274Cys change affects a highly conserved amino acid residue located in a domain of the GLUD1 protein that is known to be functional. The p.Arg274Cys substitution appears to be deleterious using several in-silico pathogenicity prediction tools (SIFT, PolyPhen2, Align GVGD, REVEL).

Cardiovascular Genetics Laboratory, PathWest Laboratory Medicine WA - Fiona Stanley Hospital
Classification: Pathogenic for Hyperinsulinism-hyperammonemia syndrome. Last evaluated: 2025-02-20. Review status: no assertion criteria provided. Criteria: ACMG Guidelines, 2015. Collection method: clinical testing. Allele origin: germline. Affected: yes. Not counted in ClinVar's aggregate classification.

OMIM
Classification: Pathogenic for HYPERINSULINEMIC HYPOGLYCEMIA, FAMILIAL, 6. Last evaluated: 2001-01-01. Review status: no assertion criteria provided. Collection method: literature only. Allele origin: germline. Not counted in ClinVar's aggregate classification.

Literature cited by the submitters: PubMed 11214910 (cited by 3 submitters); PubMed 26759084 (cited by Labcorp Genetics (formerly Invitae), Labcorp and 3billion); PubMed 27188453 (cited by Labcorp Genetics (formerly Invitae), Labcorp and 3billion); PubMed 30306091 (cited by Labcorp Genetics (formerly Invitae), Labcorp and 3billion); PubMed 30425915 (cited by Labcorp Genetics (formerly Invitae), Labcorp and 3billion).

NM_005271.5(GLUD1):c.820C>T (p.Arg274Cys)

Gene: GLUD1 (glutamate dehydrogenase 1; minus strand). Cytogenetic location: 10q23.2.
Variant type: single nucleotide variant.
Coding change: c.820C>T on transcript NM_005271.5 (MANE Select); coding-DNA position 820, C replaced by T.
Protein change: p.Arg274Cys; replaces arginine 274 with cysteine.
Molecular consequence: missense variant.
Genome position (GRCh38, 1-based): chr10:87,062,757, G>A on the plus strand (C>T on the coding strand, the complement: GLUD1 is on the minus strand). VCF-style: chr10-87062757-G-A. GRCh37 (hg19) VCF-style: chr10-88822514-G-A.
Other names: R221C; c.421C>T, p.Arg141Cys (NM_001318900.1); c.319C>T, p.Arg107Cys (NM_001318901.1, NM_001318902.1, NM_001318904.2 and 2 more transcripts); short protein forms R274C, R107C, R141C.
Identifiers: ClinVar variation 16128 (VCV000016128.17), dbSNP rs56275071, ClinGen allele CA257430.